The following is an entry in ClinVar:

ClinVar aggregate classification (germline): Uncertain significance. Review status: criteria provided, multiple submitters, no conflicts (2 of 4 stars). 2 submissions from 2 submitters: Uncertain significance (2). Last evaluated 2022-02-04.

Allele frequency attached by ClinVar (database versions not stated): ExAC 0.00002; gnomAD exomes 0.00004; TOPMed 0.00006; gnomAD 0.00007; ESP Exome Variant Server 0.00008; 1000 Genomes Project 30x 0.00016; 1000 Genomes Project 0.00020.
gnomAD v4.1: 36 of 1,614,182 alleles (0.0022%); highest among the groups gnomAD compares: African/African-American, 0.024%; no homozygotes.

Submissions (2):

Labcorp Genetics (formerly Invitae), Labcorp
Classification: Uncertain significance. Last evaluated: 2022-02-04. Review status: criteria provided, single submitter. Criteria: Invitae Variant Classification Sherloc (09022015). Collection method: clinical testing. Allele origin: germline.
Comment: In summary, the available evidence is currently insufficient to determine the role of this variant in disease. Therefore, it has been classified as a Variant of Uncertain Significance. Algorithms developed to predict the effect of sequence changes on RNA splicing suggest that this variant may create or strengthen a splice site. Algorithms developed to predict the effect of missense changes on protein structure and function (SIFT, PolyPhen-2, Align-GVGD) all suggest that this variant is likely to be disruptive. ClinVar contains an entry for this variant (Variation ID: 252767). This variant has not been reported in the literature in individuals affected with LHX4-related conditions. This variant is present in population databases (rs368906861, gnomAD 0.03%). This sequence change replaces arginine, which is basic and polar, with glutamine, which is neutral and polar, at codon 122 of the LHX4 protein (p.Arg122Gln).

Genomic Diagnostic Laboratory, Division of Genomic Diagnostics, Children's Hospital of Philadelphia
Classification: Uncertain significance. Last evaluated: 2015-08-24. Review status: criteria provided, single submitter. Criteria: DGD Variant Analysis Guidelines. Collection method: clinical testing. Allele origin: unknown.

NM_033343.4(LHX4):c.365G>A (p.Arg122Gln)

Gene: LHX4 (LIM homeobox 4; plus strand). Cytogenetic location: 1q25.2.
Variant type: single nucleotide variant.
Coding change: c.365G>A on transcript NM_033343.4 (MANE Select); coding-DNA position 365, G replaced by A.
Protein change: p.Arg122Gln; replaces arginine 122 with glutamine.
Molecular consequence: missense variant.
Genome position (GRCh38, 1-based): chr1:180,266,508, G>A. VCF-style: chr1-180266508-G-A. GRCh37 (hg19) VCF-style: chr1-180235643-G-A.
Other names: short protein forms R122Q.
Identifiers: ClinVar variation 252767 (VCV000252767.7), dbSNP rs368906861, ClinGen allele CA1271864.